The following is an entry in ClinVar:

NM_001130438.3(SPTAN1):c.3781T>C (p.Tyr1261His)

Gene: SPTAN1 (spectrin alpha, non-erythrocytic 1; plus strand). Cytogenetic location: 9q34.11.
Variant type: single nucleotide variant.
Coding change: c.3781T>C on transcript NM_001130438.3 (MANE Select); coding-DNA position 3781, T replaced by C.
Protein change: p.Tyr1261His; replaces tyrosine 1261 with histidine.
Molecular consequence: missense variant.
Genome position (GRCh38, 1-based): chr9:128,605,095, T>C. VCF-style: chr9-128605095-T-C. GRCh37 (hg19) VCF-style: chr9-131367374-T-C.
Other names: c.3721T>C, p.Tyr1241His (NM_001195532.2, NM_001363765.2, NM_001375314.2); c.3781T>C, p.Tyr1261His (NM_001363759.2, NM_001375310.1, NM_001375311.2 and 2 more transcripts); c.3817T>C, p.Tyr1273His (NM_001375312.2, NM_001375318.1); short protein forms Y1273H, Y1241H, Y1261H.
Identifiers: ClinVar variation 2141001 (VCV002141001.5), dbSNP rs1589296004, ClinGen allele CA375064511.

ClinVar aggregate classification (germline): Conflicting classifications of pathogenicity. Review status: criteria provided, conflicting classifications (1 of 4 stars). 2 submissions from 2 submitters: Uncertain significance (1); Likely benign (1). Last evaluated 2025-12-26.

Conditions:
Early-infantile DEE. Also called: Early infantile epileptic encephalopathy with suppression bursts; Early infantile epileptic encephalopathy; Ohtahara syndrome. Identifiers: Orphanet 1934, MedGen C0393706, MONDO:0800491.
Spastic paraplegia 91, autosomal dominant, with or without cerebellar ataxia (SPG91). Identifiers: MedGen C5882701, MONDO:0957813, OMIM 620538.
Developmental delay with or without epilepsy (DEVEP). Identifiers: MedGen C5882702, MONDO:0957815, OMIM 620540.
Neuronopathy, distal hereditary motor, autosomal dominant 11. Also called: NEUROPATHY, DISTAL HEREDITARY MOTOR, 11. Identifiers: MedGen C5882697, MONDO:0957875, OMIM 620528.
Developmental and epileptic encephalopathy, 5 (DEE5). Identifiers: Orphanet 3451, MedGen C3150731, MONDO:0013277, OMIM 613477.

Submissions (2):

Labcorp Genetics (formerly Invitae), Labcorp
Classification: Uncertain significance for Early-infantile DEE. Last evaluated: 2025-12-26. Review status: criteria provided, single submitter. Criteria: Invitae Variant Classification Sherloc (09022015). Collection method: clinical testing. Allele origin: germline.
Comment: This sequence change replaces tyrosine, which is neutral and polar, with histidine, which is basic and polar, at codon 1261 of the SPTAN1 protein (p.Tyr1261His). This variant is not present in population databases (gnomAD no frequency). This variant has not been reported in the literature in individuals affected with SPTAN1-related conditions. ClinVar contains an entry for this variant (Variation ID: 2141001). Invitae Evidence Modeling of protein sequence and biophysical properties (such as structural, functional, and spatial information, amino acid conservation, physicochemical variation, residue mobility, and thermodynamic stability) has been performed for this missense variant. However, the output from this modeling did not meet the statistical confidence thresholds required to predict the impact of this variant on SPTAN1 protein function. In summary, the available evidence is currently insufficient to determine the role of this variant in disease. Therefore, it has been classified as a Variant of Uncertain Significance.

3billion
Classification: Likely benign for Developmental and epileptic encephalopathy, 5; Developmental delay with or without epilepsy; Neuronopathy, distal hereditary motor, autosomal dominant 11; Spastic paraplegia 91, autosomal dominant, with or without cerebellar ataxia. Last evaluated: 2024-09-20. Review status: criteria provided, single submitter. Criteria: ACMG Guidelines, 2015. Collection method: clinical testing. Allele origin: germline. Affected: no.
Comment: The variant was identified in at least one patient who was diagnosed with a different variant in another gene and showed no symptoms related to the gene containing the variant in question.